The following is an entry in ClinVar:

ClinVar aggregate classification (germline): Uncertain significance (1 of 4 stars; one submission).

Allele frequency attached by ClinVar (database versions not stated): gnomAD 0.00002; gnomAD exomes 0.00002 and 0.00003; TOPMed 0.00002; ExAC 0.00006; ESP Exome Variant Server 0.00008.
gnomAD v4.1: 32 of 1,600,424 alleles (0.002%); highest among the groups gnomAD compares: South Asian, 0.013%; no homozygotes.

Submission:

Labcorp Genetics (formerly Invitae), Labcorp
Classification: Uncertain significance. Last evaluated: 2022-10-18. Review status: criteria provided, single submitter. Criteria: Invitae Variant Classification Sherloc (09022015). Collection method: clinical testing. Allele origin: germline.
Comment: In summary, the available evidence is currently insufficient to determine the role of this variant in disease. Therefore, it has been classified as a Variant of Uncertain Significance. Variants that disrupt the consensus splice site are a relatively common cause of aberrant splicing (PMID: 17576681, 9536098). Algorithms developed to predict the effect of sequence changes on RNA splicing suggest that this variant is not likely to affect RNA splicing. This sequence change falls in intron 11 of the DGKZ gene. It does not directly change the encoded amino acid sequence of the DGKZ protein. It affects a nucleotide within the consensus splice site. This variant is present in population databases (rs376373951, gnomAD 0.009%). This variant has not been reported in the literature in individuals affected with DGKZ-related conditions. ClinVar contains an entry for this variant (Variation ID: 1473562).

Literature cited by the submitters: PubMed 17576681; PubMed 9536098.

NM_001199267.2(DGKZ):c.924+6C>T

Gene: DGKZ (diacylglycerol kinase zeta; plus strand). Cytogenetic location: 11p11.2.
Variant type: single nucleotide variant.
Coding change: c.924+6C>T on transcript NM_001199267.2 (MANE Select); 6 bases into the intron after coding-DNA position 924, C replaced by T.
Molecular consequence: intron variant.
Genome position (GRCh38, 1-based): chr11:46,372,176, C>T. VCF-style: chr11-46372176-C-T. GRCh37 (hg19) VCF-style: chr11-46393726-C-T.
Other names: c.975+6C>T (NM_201532.3); c.939+6C>T (NM_201533.3); c.927+6C>T (NM_001199266.2, NM_003646.4); c.858+6C>T (NM_001199268.2); c.1491+6C>T (NM_001105540.2).
Identifiers: ClinVar variation 1473562 (VCV001473562.6), dbSNP rs376373951, ClinGen allele CA5962648.